The following is an entry in ClinVar:

NM_000059.4(BRCA2):c.6089A>G (p.Asn2030Ser)

Gene: BRCA2 (BRCA2 DNA repair associated; plus strand). Cytogenetic location: 13q13.1.
Variant type: single nucleotide variant.
Coding change: c.6089A>G on transcript NM_000059.4 (MANE Select); coding-DNA position 6089, A replaced by G.
Protein change: p.Asn2030Ser; replaces asparagine 2030 with serine.
Molecular consequence: missense variant.
Genome position (GRCh38, 1-based): chr13:32,340,444, A>G. VCF-style: chr13-32340444-A-G. GRCh37 (hg19) VCF-style: chr13-32914581-A-G.
Other names: short protein forms N2030S.
Identifiers: ClinVar variation 409453 (VCV000409453.14), dbSNP rs1060502402, ClinGen allele CA16614190.

ClinVar aggregate classification (germline): Conflicting classifications of pathogenicity. Review status: criteria provided, conflicting classifications (1 of 4 stars). 3 submissions from 3 submitters: Uncertain significance (2); Likely benign (1). Last evaluated 2025-04-12.

Conditions:
Hereditary cancer-predisposing syndrome. Also called: Tumor predisposition; Hereditary Cancer Syndrome; Hereditary neoplastic syndrome; Neoplastic Syndromes, Hereditary. Identifiers: Orphanet 140162, MedGen C0027672, MeSH D009386, MONDO:0015356.
Hereditary breast ovarian cancer syndrome. Also called: Hereditary breast and ovarian cancer; Hereditary breast and/or ovarian cancer syndrome; BRCA1- and BRCA2-Associated Hereditary Breast and Ovarian Cancer; Hereditary breast and ovarian cancer syndrome; Hereditary breast and ovarian cancer syndrome (HBOC); Breast and ovarian cancer. Identifiers: Orphanet 145, MedGen C0677776, MeSH D061325, MONDO:0003582. Disease mechanism: loss of function.

Allele frequency attached by ClinVar (database versions not stated): gnomAD exomes below 0.00001.
gnomAD v4.1: 1 of 1,613,912 alleles (0.000062%); highest among the groups gnomAD compares: Non-Finnish European, 0.000085%; no homozygotes.

Submissions (3):

Ambry Genetics
Classification: Uncertain significance for Hereditary cancer-predisposing syndrome. Last evaluated: 2025-04-12. Review status: criteria provided, single submitter. Criteria: Ambry Variant Classification Scheme 2023. Collection method: clinical testing. Allele origin: germline.
Comment: The p.N2030S variant (also known as c.6089A>G), located in coding exon 10 of the BRCA2 gene, results from an A to G substitution at nucleotide position 6089. The asparagine at codon 2030 is replaced by serine, an amino acid with highly similar properties. This amino acid position is conserved. In addition, this alteration is predicted to be tolerated by in silico analysis. Based on the available evidence, the clinical significance of this variant remains unclear.

University of Washington Department of Laboratory Medicine, University of Washington
Classification: Likely benign for Hereditary cancer-predisposing syndrome. Last evaluated: 2023-03-23. Review status: criteria provided, single submitter. Criteria: Dines et al. (Genet Med. 2020). Collection method: curation. Allele origin: germline.
Comment: Missense variant in a coldspot region where missense variants are very unlikely to be pathogenic (PMID:31911673).

BRCA2 exon 11 coldspot. Reclassification based on statistical prior probability.

Labcorp Genetics (formerly Invitae), Labcorp
Classification: Uncertain significance for Hereditary breast ovarian cancer syndrome. Last evaluated: 2016-07-21. Review status: criteria provided, single submitter. Criteria: Invitae Variant Classification Sherloc (09022015). Collection method: clinical testing. Allele origin: germline.
Comment: In summary, this variant is a novel missense change that is not predicted to affect protein function. There is no indication that it causes disease, but the available evidence is currently insufficient to prove that conclusively. Therefore, it has been classified as a Variant of Uncertain Significance. Algorithms developed to predict the effect of missense changes on protein structure and function output the following: (SIFT: "Tolerated"; PolyPhen-2: "Benign"; Align-GVGD: "Class C0"). The serine amino acid residue is also found in multiple mammalian species, suggesting that this missense change does not adversely affect protein function. These predictions have not been confirmed by published functional studies. This variant is not present in population databases (ExAC no frequency) and has not been reported in the literature in individuals with a BRCA2-related disease. This sequence change replaces asparagine with serine at codon 2030 of the BRCA2 protein (p.Asn2030Ser). The asparagine residue is weakly conserved and there is a small physicochemical difference between asparagine and serine.